The following is an entry in ClinVar:

NM_025150.5(TARS2):c.2060A>T (p.Asp687Val)

Gene: TARS2 (threonyl-tRNA synthetase 2, mitochondrial; plus strand). Cytogenetic location: 1q21.2.
Variant type: single nucleotide variant.
Coding change: c.2060A>T on transcript NM_025150.5 (MANE Select); coding-DNA position 2060, A replaced by T.
Protein change: p.Asp687Val; replaces aspartic acid 687 with valine.
Molecular consequence: missense variant. On other transcripts: non-coding transcript variant (2).
Genome position (GRCh38, 1-based): chr1:150,506,967, A>T. VCF-style: chr1-150506967-A-T. GRCh37 (hg19) VCF-style: chr1-150479443-A-T.
Other names: c.1814A>T, p.Asp605Val (NM_001271895.2); c.1670A>T, p.Asp557Val (NM_001271896.2); short protein forms D605V, D687V, D557V.
Identifiers: ClinVar variation 1409488 (VCV001409488.6), dbSNP rs756698452, ClinGen allele CA1077248.

ClinVar aggregate classification (germline): Uncertain significance (1 of 4 stars; one submission).

Allele frequency attached by ClinVar (database versions not stated): ExAC 0.00001; gnomAD exomes 0.00001; TOPMed 0.00001.
gnomAD v4.1: 5 of 1,614,174 alleles (0.00031%); highest among the groups gnomAD compares: Admixed American, 0.0083%; no homozygotes.

Submission:

Labcorp Genetics (formerly Invitae), Labcorp
Classification: Uncertain significance. Last evaluated: 2022-08-23. Review status: criteria provided, single submitter. Criteria: Invitae Variant Classification Sherloc (09022015). Collection method: clinical testing. Allele origin: germline.
Comment: This variant is present in population databases (rs756698452, gnomAD 0.006%). In summary, the available evidence is currently insufficient to determine the role of this variant in disease. Therefore, it has been classified as a Variant of Uncertain Significance. Algorithms developed to predict the effect of missense changes on protein structure and function are either unavailable or do not agree on the potential impact of this missense change (SIFT: "Deleterious"; PolyPhen-2: "Probably Damaging"; Align-GVGD: "Class C0"). ClinVar contains an entry for this variant (Variation ID: 1409488). This variant has not been reported in the literature in individuals affected with TARS2-related conditions. This sequence change replaces aspartic acid, which is acidic and polar, with valine, which is neutral and non-polar, at codon 687 of the TARS2 protein (p.Asp687Val).